The following is an entry in ClinVar:

ClinVar aggregate classification (germline): Uncertain significance. Review status: criteria provided, multiple submitters, no conflicts (2 of 4 stars). 2 submissions from 2 submitters: Uncertain significance (2). Last evaluated 2025-12-02.

Conditions:
Hereditary cancer-predisposing syndrome. Also called: Hereditary neoplastic syndrome; Neoplastic Syndromes, Hereditary; Hereditary Cancer Syndrome; Tumor predisposition. Identifiers: Orphanet 140162, MedGen C0027672, MeSH D009386, MONDO:0015356.
Oligodontia-cancer predisposition syndrome. Also called: TOOTH AGENESIS-COLORECTAL CANCER SYNDROME. Identifiers: Orphanet 300576, MedGen C1837750, MONDO:0012075, OMIM 608615. Disease mechanism: loss of function.

gnomAD v4.1: 4 of 1,613,746 alleles (0.00025%); highest among the groups gnomAD compares: Non-Finnish European, 0.00034%; no homozygotes.

Submissions (2):

Labcorp Genetics (formerly Invitae), Labcorp
Classification: Uncertain significance for Oligodontia-cancer predisposition syndrome. Last evaluated: 2025-12-02. Review status: criteria provided, single submitter. Criteria: Invitae Variant Classification Sherloc (09022015). Collection method: clinical testing. Allele origin: germline.
Comment: This sequence change replaces alanine, which is neutral and non-polar, with threonine, which is neutral and polar, at codon 695 of the AXIN2 protein (p.Ala695Thr). This variant is not present in population databases (gnomAD no frequency). This variant has not been reported in the literature in individuals affected with AXIN2-related conditions. ClinVar contains an entry for this variant (Variation ID: 659928). Invitae Evidence Modeling of protein sequence and biophysical properties (such as structural, functional, and spatial information, amino acid conservation, physicochemical variation, residue mobility, and thermodynamic stability) indicates that this missense variant is not expected to disrupt AXIN2 protein function with a negative predictive value of 80%. In summary, the available evidence is currently insufficient to determine the role of this variant in disease. Therefore, it has been classified as a Variant of Uncertain Significance.

Ambry Genetics
Classification: Uncertain significance for Hereditary cancer-predisposing syndrome. Last evaluated: 2025-02-27. Review status: criteria provided, single submitter. Criteria: Ambry Variant Classification Scheme 2023. Collection method: clinical testing. Allele origin: germline.
Comment: The p.A695T variant (also known as c.2083G>A), located in coding exon 7 of the AXIN2 gene, results from a G to A substitution at nucleotide position 2083. The alanine at codon 695 is replaced by threonine, an amino acid with similar properties. This amino acid position is highly conserved in available vertebrate species. In addition, this alteration is predicted to be tolerated by in silico analysis. Based on the available evidence, the clinical significance of this variant remains unclear.

NM_004655.4(AXIN2):c.2083G>A (p.Ala695Thr)

Gene: AXIN2 (axin 2; minus strand). Cytogenetic location: 17q24.1.
Variant type: single nucleotide variant.
Coding change: c.2083G>A on transcript NM_004655.4 (MANE Select); coding-DNA position 2083, G replaced by A.
Protein change: p.Ala695Thr; replaces alanine 695 with threonine.
Molecular consequence: missense variant.
Genome position (GRCh38, 1-based): chr17:65,536,378, C>T on the plus strand (G>A on the coding strand, the complement: AXIN2 is on the minus strand). VCF-style: chr17-65536378-C-T. GRCh37 (hg19) VCF-style: chr17-63532496-C-T.
Other names: c.2083G>A (LRG_296t1); c.1888G>A, p.Ala630Thr (NM_001363813.1); short protein forms A630T, A695T.
Identifiers: ClinVar variation 659928 (VCV000659928.9), dbSNP rs140510381, ClinGen allele CA400676024.